The following continues an entry in ClinVar:

NM_000142.5(FGFR3):c.749C>G (p.Pro250Arg)

Gene: FGFR3. ClinVar aggregate classification (germline): Pathogenic/Likely pathogenic. Pathogenic (46); Likely pathogenic (1).

Submissions 6 to 14 of 56:

PreventionGenetics, part of Exact Sciences
Classification: Pathogenic for FGFR3-related condition. Last evaluated: 2026-05-26. Review status: criteria provided, single submitter. Criteria: ACMG Guidelines, 2015. Collection method: clinical testing. Allele origin: germline.
Comment: The FGFR3 c.749C>G variant is predicted to result in the amino acid substitution p.Pro250Arg. This variant has been documented as one of the most common variants associated with syndromic craniosynostosis, and in particular with autosomal dominant Muenke syndrome (Muenke et al. 1997. PubMed ID: 9042914; Mulliken et al. 1999. PubMed ID: 10541159; Roscioli et al. 2013. PubMed ID: 24127277; Kruszka et al. 2016. PubMed ID: 26740388). Of note, this variant has been reported in one patient without craniosynostosis but with hearing loss and developmental delay (Patient 15, Table 1, Kruszka et al. 2016. PubMed ID: 26740388). Surface plasmon resonance (SPR) and X-ray crystallography demonstrated enhanced ligand binding, indicating this variant results in a gain of function (Ibrahimi et al. 2003. PubMed ID: 14613973). This variant is reported in 0.0029% of alleles in individuals of Latino descent in gnomAD. This variant is interpreted as pathogenic.

Ambry Genetics
Classification: Pathogenic for Inborn genetic diseases. Last evaluated: 2026-05-14. Review status: criteria provided, single submitter. Criteria: Ambry Variant Classification Scheme 2023. Collection method: clinical testing. Allele origin: germline.
Comment: The c.749C>G (p.P250R) alteration is located in exon 7 (coding exon 6) of the FGFR3 gene. This alteration results from a C to G substitution at nucleotide position 749, causing the proline (P) at amino acid position 250 to be replaced by an arginine (R). Based on the available evidence, the FGFR3 c.749C>G (p.P250R) alteration is classified as pathogenic for Muenke syndrome. Based on data from gnomAD, the G allele has an overall frequency of 0.001% (2/270300) total alleles studied. The highest observed frequency was 0.003% (1/34950) of Latino alleles. The FGFR3 c.749C>G (p.P250R) variant is a well-established disease-causing variant of Muenke syndrome and the only reported pathogenic mutation in patients with Muenke syndrome (Bellus, 1996; Kruszka, 2016). This amino acid position is well conserved in available vertebrate species. Functional analysis of mouse models of Muenke syndrome harboring the mouse equivalent of the p.P250R variant (p.P244R in mice) show that the variant disrupts endochondral and perichondrial ossification in the cranial base (Laurita, 2011) as well as the temporomandibular joint development by reducing hedgehog signaling and endochondral ossification (Laurita, 2011; Yasuda, 2012). Surface plasmon resonance analysis and X-ray crystallography demonstrated enhanced binding of the mutant structure compared to wildtype (Ibrahimi, 2004). This alteration is predicted to be deleterious by in silico analysis. Based on the available evidence, this alteration is classified as pathogenic.

Dasa
Classification: Pathogenic for Muenke syndrome. Last evaluated: 2026-04-06. Review status: criteria provided, single submitter. Criteria: DASA Assertion Criteria. Collection method: clinical testing. Allele origin: germline.
Comment: NM_000142.5(FGFR3):c.749C>G (p.Pro250Arg) introduces a proline-to-arginine substitution in FGFR3, a recurrently observed activating missense change supported by functional studies demonstrating altered receptor signalling and reported in multiple individuals with FGFR3-related skeletal dysplasia phenotypes (PMID: 10942429; PMID: 9279753). Additionally, it is present at low frequency in population datasets. Based on the available data, this variant is classified as pathogenic.

Genetics Laboratory, Great Ormond Street Hospital NHS Foundation Trust, North Thames Genomic Laboratory Hub
Classification: Pathogenic for Fetal anomalies with a likely genetic cause. Last evaluated: 2026-02-24. Review status: criteria provided, single submitter. Criteria: ACGS Best Practice Guidelines for Variant Classification in Rare Disease 2024 v1.2. Collection method: clinical testing. Allele origin: germline. Affected: yes.
Comment: PS4_moderate, PM2_moderate, PP3_supporting, PS3_strong, PP1_strong, PS2_moderate

Labcorp Genetics (formerly Invitae), Labcorp
Classification: Pathogenic. Last evaluated: 2026-01-19. Review status: criteria provided, single submitter. Criteria: Invitae Variant Classification Sherloc (09022015). Collection method: clinical testing. Allele origin: germline.
Comment: This sequence change replaces proline, which is neutral and non-polar, with arginine, which is basic and polar, at codon 250 of the FGFR3 protein (p.Pro250Arg). This variant is present in population databases (rs4647924, gnomAD 0.003%). This missense change has been observed in individual(s) with Muenke syndrome, but has also been identified in individuals with features of Saethre-Chotzen syndrome or other craniosynostosis syndromes (PMID: 9042914, 10094188, 10861678, 15915095, 26740388). In at least one individual the variant was observed to be de novo. It has also been observed to segregate with disease in related individuals. ClinVar contains an entry for this variant (Variation ID: 16340). Invitae Evidence Modeling of protein sequence and biophysical properties (such as structural, functional, and spatial information, amino acid conservation, physicochemical variation, residue mobility, and thermodynamic stability) indicates that this missense variant is not expected to disrupt FGFR3 protein function with a negative predictive value of 80%. Experimental studies have shown that this missense change affects FGFR3 function (PMID: 14613973). For these reasons, this variant has been classified as Pathogenic.

3billion
Classification: Pathogenic for Muenke syndrome. Last evaluated: 2026-01-12. Review status: criteria provided, single submitter. Criteria: ACMG Guidelines, 2015. Collection method: clinical testing. Allele origin: germline. Affected: yes.
Comment: The variant is observed at an extremely low frequency in the gnomAD v4.1.0 dataset (total allele frequency: 0.001%). Predicted Consequence/Location: Missense variant. Missense changes are a common disease-causing mechanism. In silico tool predictions suggest damaging effect of the variant on gene or gene product [REVEL: 0.77 (>=0.6, sensitivity 0.68 and specificity 0.92); 3Cnet: 0.88 (> 0.75, sensitivity 0.96 and precision 0.92)]. The same nucleotide change resulting in the same amino acid change has been previously reported as pathogenic/likely pathogenic with strong evidence (ClinVar ID: VCV000016340 /PMID: 8841188 /3billion dataset). The variant has been previously reported as assumed (i.e. paternity and maternity not confirmed) de novo in at least one similarly affected unrelated individual (3billion dataset). Different missense changes at the same codon (p.Pro250Leu, p.Pro250Thr) have been reported to be associated with FGFR3-related disorder (PMID: 12362036, 31721094). Therefore, this variant is classified as Pathogenic according to the recommendation of ACMG/AMP guideline.

Institute of Human Genetics, University of Leipzig Medical Center
Classification: Pathogenic for Muenke syndrome. Last evaluated: 2025-07-24. Review status: criteria provided, single submitter. Criteria: ACMG Guidelines, 2015. Collection method: clinical testing. Allele origin: de novo. Inheritance: Autosomal dominant inheritance. Affected: yes.
Comment: Criteria applied: PS2_VSTR,PS4,PS3_MOD,PM1_SUP,PP3

Victorian Clinical Genetics Services, Murdoch Childrens Research Institute
Classification: Pathogenic for Muenke syndrome. Last evaluated: 2025-07-07. Review status: criteria provided, single submitter. Criteria: ACMG Guidelines, 2015. Collection method: clinical testing. Allele origin: germline. Affected: yes.
Comment: This variant is classified as Pathogenic. Evidence in support of pathogenic classification: Variant is present in gnomAD <0.01 (v4: 18 heterozygote(s), 0 homozygote(s)); This variant has strong previous evidence of pathogenicity in unrelated individuals. This variant is very well established as pathogenic, and has been reported in many individuals with Muenke syndrome with variable expressivity. Additionally, it has been observed less commonly in individuals with Saethre-Chotzen or craniosynostosis syndrome, and can be inherited from an asymptomatic parent (ClinVar, PMID: 26740388). Additional information: Variant is predicted to result in a missense amino acid change from proline to arginine; This variant is heterozygous; This gene is associated with both recessive and dominant disease (OMIM); Alternative amino acid change(s) at the same position are present in gnomAD (Highest allele count: v4: 11 heterozygote(s), 0 homozygote(s)). - Variant is not located in an established domain, motif, hotspot or informative constraint region; Gain of function is a known mechanism of disease in this gene and is associated with autosomal dominant skeletal dysplasias (OMIM). Additionally, autosomal recessive and dominant CATSHL syndrome (MIM#610474), is suspected to be due to variants with a loss of function, and dominant negative mechanism, respectively (PMID: 25614871, PMID: 24864036); The condition associated with this gene has incomplete penetrance. Individuals with Muenke syndrome have been shown to inherit pathogenic variants from an asymptomatic parent (PMID: 26740388, PMID: 18000976); Variants in this gene are known to have variable expressivity. There is a wide range of clinical symptoms with variable expressivity in LADD and Muenke syndrome patients, even within the same family (PMID: 26740388, PMID: 16501574); Inheritance information for this variant is not currently available in this individual.

Division of Genetic & Genomic Pathology, Hong Kong Children's Hospital
Classification: Pathogenic for Muenke syndrome. Last evaluated: 2025-06-24. Review status: criteria provided, single submitter. Criteria: ACMG Guidelines, 2015. Collection method: clinical testing. Allele origin: germline. Affected: yes.
Comment: The FGFR3 c.749C>G p.(Pro250Arg) missense variant is located in the exon 7 of the gene. It is a known pathogenic variant causing Muenke syndrome (PMID: 26740388, 20301588). This variant is present at a low frequency in population controls (gnomAD v4.1.0: 18 heterozygotes in 1,606,994 alleles). It is deposited in ClinVar as pathogenic/likely pathogenic (accession no. VCV000016340.143). The variant has a REVEL score of 0.772, which is predicted to be deleterious. Experimental studies showed this variant results in gain of function leading to various craniofacial deformities in animal models (PMID: 14613973, 22016144, 22622662). For these reasons, this variant is classified as pathogenic.